The following is an entry in ClinVar:

ClinVar aggregate classification (germline): Uncertain significance. Review status: criteria provided, multiple submitters, no conflicts (2 of 4 stars). 2 submissions from 2 submitters: Uncertain significance (2). Last evaluated 2025-08-29.

Conditions:
Haddad syndrome (OHD). Also called: Ondine-Hirschsprung disease. Identifiers: Orphanet 99803, MedGen C1859049, MONDO:0020493.
Hereditary cancer-predisposing syndrome. Also called: Hereditary Cancer Syndrome; Tumor predisposition; Neoplastic Syndromes, Hereditary; Hereditary neoplastic syndrome. Identifiers: Orphanet 140162, MedGen C0027672, MeSH D009386, MONDO:0015356.

Submissions (2):

Ambry Genetics
Classification: Uncertain significance for Hereditary cancer-predisposing syndrome. Last evaluated: 2025-08-29. Review status: criteria provided, single submitter. Criteria: Ambry Variant Classification Scheme 2023. Collection method: clinical testing. Allele origin: germline.
Comment: The p.S189R variant (also known as c.567C>G), located in coding exon 3 of the PHOX2B gene, results from a C to G substitution at nucleotide position 567. The serine at codon 189 is replaced by arginine, an amino acid with dissimilar properties. This amino acid position is conserved. In addition, this alteration is predicted to be tolerated by in silico analysis. Based on the available evidence, the clinical significance of this variant remains unclear.

Labcorp Genetics (formerly Invitae), Labcorp
Classification: Uncertain significance for Haddad syndrome. Last evaluated: 2023-03-07. Review status: criteria provided, single submitter. Criteria: Invitae Variant Classification Sherloc (09022015). Collection method: clinical testing. Allele origin: germline.
Comment: In summary, the available evidence is currently insufficient to determine the role of this variant in disease. Therefore, it has been classified as a Variant of Uncertain Significance. Advanced modeling of protein sequence and biophysical properties (such as structural, functional, and spatial information, amino acid conservation, physicochemical variation, residue mobility, and thermodynamic stability) performed at Invitae indicates that this missense variant is not expected to disrupt PHOX2B protein function. This variant has not been reported in the literature in individuals affected with PHOX2B-related conditions. This variant is not present in population databases (gnomAD no frequency). This sequence change replaces serine, which is neutral and polar, with arginine, which is basic and polar, at codon 189 of the PHOX2B protein (p.Ser189Arg).

NM_003924.4(PHOX2B):c.567C>G (p.Ser189Arg)

Gene: PHOX2B (paired like homeobox 2B; minus strand). Cytogenetic location: 4p13.
Variant type: single nucleotide variant.
Coding change: c.567C>G on transcript NM_003924.4 (MANE Select); coding-DNA position 567, C replaced by G.
Protein change: p.Ser189Arg; replaces serine 189 with arginine.
Molecular consequence: missense variant.
Genome position (GRCh38, 1-based): chr4:41,746,185, G>C on the plus strand (C>G on the coding strand, the complement: PHOX2B is on the minus strand). VCF-style: chr4-41746185-G-C. GRCh37 (hg19) VCF-style: chr4-41748202-G-C.
Other names: short protein forms S189R.
Identifiers: ClinVar variation 2727578 (VCV002727578.4), dbSNP rs2552096881, ClinGen allele CA356737978.